The following is an entry in ClinVar:

NM_024301.5(FKRP):c.-253+9G>A

Genes: FKRP (fukutin related protein; plus strand), STRN4 (striatin 4; minus strand), LOC130064775 (ATAC-STARR-seq lymphoblastoid silent region 10825; plus strand). Cytogenetic location: 19q13.32.
Variant type: single nucleotide variant.
Coding change: c.-253+9G>A on transcript NM_024301.5 (MANE Select); 9 bases into the intron after 253 bases upstream of the start codon, G replaced by A.
Molecular consequence: intron variant.
Genome position (GRCh38, 1-based): chr19:46,746,099, G>A. VCF-style: chr19-46746099-G-A. GRCh37 (hg19) VCF-style: chr19-47249356-G-A.
Other names: c.282+50C>T (NM_013403.3, NM_001039877.2); c.-305+9G>A (NM_001039885.3).
Identifiers: ClinVar variation 509026 (VCV000509026.6), dbSNP rs571064207, ClinGen allele CA9532043.
Genomic context (GRCh38, chr19:46,746,099, plus strand): 5'-GCCGGCCGTCCCGGCGGCCATTGCTCCAAGATGGCGGCGGCGGCGGCAGCGGGTGAGGCC[G>A]GGCCGGGCCGGGCCGGGTTGGGGGTCGGGGGTCCCGGGACAGCGCTCACCTGTAACTCGG-3'

ClinVar aggregate classification (germline): Conflicting classifications of pathogenicity. Review status: criteria provided, conflicting classifications (1 of 4 stars). 3 submissions from 3 submitters: Uncertain significance (1); Likely benign (1). 1 of the submissions does not count toward it. Last evaluated 2026-01-10.

Conditions:
FKRP-related disorder. Also called: FKRP-related condition.

Allele frequency attached by ClinVar (database versions not stated): ExAC 0.00017; gnomAD 0.00047 and 0.00048; 1000 Genomes Project 0.00060; TOPMed 0.00070.
gnomAD v4.1: 125 of 1,395,490 alleles (0.009%); highest among the groups gnomAD compares: African/African-American, 0.17%; no homozygotes.

Submissions (3):

Women's Health and Genetics/Laboratory Corporation of America, LabCorp
Classification: Uncertain significance. Last evaluated: 2026-01-10. Review status: criteria provided, single submitter. Criteria: LabCorp Variant Classification Summary - May 2015. Collection method: clinical testing. Allele origin: germline.

GeneDx
Classification: Likely benign. Last evaluated: 2018-04-30. Review status: criteria provided, single submitter. Criteria: GeneDx Variant Classification Process June 2021. Collection method: clinical testing. Allele origin: germline. Affected: yes.

PreventionGenetics, part of Exact Sciences
Classification: Likely benign for FKRP-related condition. Last evaluated: 2024-03-26. Review status: no assertion criteria provided. Collection method: clinical testing. Allele origin: germline. Not counted in ClinVar's aggregate classification.
Comment: This variant is classified as likely benign based on ACMG/AMP sequence variant interpretation guidelines (Richards et al. 2015 PMID: 25741868, with internal and published modifications).